The following is an entry in ClinVar:

ClinVar aggregate classification (germline): Uncertain significance (1 of 4 stars; one submission).

Conditions:
Kabuki syndrome. Also called: Kabuki make-up syndrome; NIIKAWA-KUROKI SYNDROME. Identifiers: Orphanet 2322, MedGen C0796004, MONDO:0016512.

gnomAD v4.1: 4 of 1,611,148 alleles (0.00025%); highest among the groups gnomAD compares: Non-Finnish European, 0.00034%; no homozygotes.

Submission:

Labcorp Genetics (formerly Invitae), Labcorp
Classification: Uncertain significance for Kabuki syndrome. Last evaluated: 2025-01-07. Review status: criteria provided, single submitter. Criteria: Invitae Variant Classification Sherloc (09022015). Collection method: clinical testing. Allele origin: germline.
Comment: This sequence change falls in intron 6 of the KMT2D gene. It does not directly change the encoded amino acid sequence of the KMT2D protein. It affects a nucleotide within the consensus splice site. The frequency data for this variant in the population databases is considered unreliable, as metrics indicate poor data quality at this position in the gnomAD database. This variant has not been reported in the literature in individuals affected with KMT2D-related conditions. Variants that disrupt the consensus splice site are a relatively common cause of aberrant splicing (PMID: 17576681, 9536098). Algorithms developed to predict the effect of sequence changes on RNA splicing suggest that this variant is not likely to affect RNA splicing. In summary, the available evidence is currently insufficient to determine the role of this variant in disease. Therefore, it has been classified as a Variant of Uncertain Significance.

Literature cited by the submitters: PubMed 17576681; PubMed 9536098.

NM_003482.4(KMT2D):c.839+4G>A

Gene: KMT2D (lysine methyltransferase 2D; minus strand). Cytogenetic location: 12q13.12.
Variant type: single nucleotide variant.
Coding change: c.839+4G>A on transcript NM_003482.4 (MANE Select); 4 bases into the intron after coding-DNA position 839, G replaced by A.
Molecular consequence: intron variant.
Genome position (GRCh38, 1-based): chr12:49,053,472, C>T on the plus strand (G>A on the coding strand, the complement: KMT2D is on the minus strand). VCF-style: chr12-49053472-C-T. GRCh37 (hg19) VCF-style: chr12-49447255-C-T.
Identifiers: ClinVar variation 3656578 (VCV003656578.2).
Genomic context (GRCh38, chr12:49,053,472, plus strand): 5'-GCCCTCATTTTCAACCCTAACCTGTGTTGTGCCTAAGACTTTCCTCCTGCCCTTCCATTC[C>T]TACCTGCAGGCTTGGCACACTTTGCATTCAGGGCACTGCCAGCCAGCACGTTTGCGGGCA-3'